The following is an entry in ClinVar:

NM_000082.4(ERCC8):c.160G>A (p.Val54Ile)

Gene: ERCC8 (ERCC excision repair 8, CSA ubiquitin ligase complex subunit; minus strand). Cytogenetic location: 5q12.1.
Variant type: single nucleotide variant.
Coding change: c.160G>A on transcript NM_000082.4 (MANE Select); coding-DNA position 160, G replaced by A.
Protein change: p.Val54Ile; replaces valine 54 with isoleucine.
Molecular consequence: missense variant. On other transcripts: 5 prime UTR variant (2).
Genome position (GRCh38, 1-based): chr5:60,928,877, C>T on the plus strand (G>A on the coding strand, the complement: ERCC8 is on the minus strand). VCF-style: chr5-60928877-C-T. GRCh37 (hg19) VCF-style: chr5-60224704-C-T.
Other names: c.-233G>A (NM_001007233.3); c.160G>A, p.Val54Ile (NM_001007234.3); c.-218G>A (NM_001290285.2); short protein forms V54I.
Identifiers: ClinVar variation 3777653 (VCV003777653.1).

ClinVar aggregate classification (germline): Uncertain significance (1 of 4 stars; one submission).

Submission:

GeneDx
Classification: Uncertain significance. Last evaluated: 2024-10-12. Review status: criteria provided, single submitter. Criteria: GeneDx Variant Classification Process June 2021. Collection method: clinical testing. Allele origin: germline. Affected: yes.
Comment: Not observed at significant frequency in large population cohorts (gnomAD); In silico analysis indicates that this missense variant does not alter protein structure/function; Has not been previously published as pathogenic or benign to our knowledge